The following is an entry in ClinVar:

ClinVar aggregate classification (germline): Uncertain significance (1 of 4 stars; one submission).

Conditions:
Gastrointestinal stromal tumor. Also called: Gastrointestinal stromal tumor, somatic; Gastrointestinal stroma tumor. Identifiers: Orphanet 44890, MedGen C0238198, MeSH D046152, MONDO:0011719, OMIM 606764, HP:0100723.

Submission:

Labcorp Genetics (formerly Invitae), Labcorp
Classification: Uncertain significance for Gastrointestinal stromal tumor. Last evaluated: 2024-06-19. Review status: criteria provided, single submitter. Criteria: Invitae Variant Classification Sherloc (09022015). Collection method: clinical testing. Allele origin: germline.
Comment: This sequence change replaces leucine, which is neutral and non-polar, with phenylalanine, which is neutral and non-polar, at codon 641 of the KIT protein (p.Leu641Phe). This variant is not present in population databases (gnomAD no frequency). This variant has not been reported in the literature in individuals affected with KIT-related conditions. An algorithm developed to predict the effect of missense changes on protein structure and function (PolyPhen-2) suggests that this variant is likely to be disruptive. In summary, the available evidence is currently insufficient to determine the role of this variant in disease. Therefore, it has been classified as a Variant of Uncertain Significance.

NM_000222.3(KIT):c.1921C>T (p.Leu641Phe)

Gene: KIT (KIT proto-oncogene, receptor tyrosine kinase; plus strand). Cytogenetic location: 4q12.
Variant type: single nucleotide variant.
Coding change: c.1921C>T on transcript NM_000222.3 (MANE Select); coding-DNA position 1921, C replaced by T.
Protein change: p.Leu641Phe; replaces leucine 641 with phenylalanine.
Molecular consequence: missense variant.
Genome position (GRCh38, 1-based): chr4:54,728,052, C>T. VCF-style: chr4-54728052-C-T. GRCh37 (hg19) VCF-style: chr4-55594218-C-T.
Other names: c.1909C>T, p.Leu637Phe (NM_001093772.2, NM_001385286.1); c.1924C>T, p.Leu642Phe (NM_001385284.1, NM_001385290.1); c.1921C>T, p.Leu641Phe (NM_001385285.1); c.1912C>T, p.Leu638Phe (NM_001385288.1, NM_001385292.1); short protein forms L637F, L641F, L638F, L642F.
Identifiers: ClinVar variation 3686990 (VCV003686990.2).